The following is an entry in ClinVar:

ClinVar aggregate classification (germline): Conflicting classifications of pathogenicity. Review status: criteria provided, conflicting classifications (1 of 4 stars). 2 submissions from 2 submitters: Uncertain significance (1); Likely benign (1). Last evaluated 2023-11-21.

Conditions:
Familial hypobetalipoproteinemia 1. Also called: APOB-Related Familial Hypobetalipoproteinemia; Hypobetalipoproteinemia, normotriglyceridemic; Acanthocytosis with hypobetalipoproteinemia. Identifiers: MedGen C4551990, MONDO:0014252, OMIM 615558.
Hypercholesterolemia, autosomal dominant, type B (FHCL2). Also called: APOLIPOPROTEIN B-100, FAMILIAL DEFECTIVE; APOLIPOPROTEIN B-100, FAMILIAL LIGAND-DEFECTIVE; HYPERCHOLESTEROLEMIA, FAMILIAL, DUE TO LIGAND-DEFECTIVE APOLIPOPROTEIN B; Familial Hypercholesterolemia Type B; Familial hypercholesterolemia 2; APOB-Related Familial Hypercholesterolemia, Autosomal Dominant. Identifiers: MedGen C1704417, MONDO:0007751, OMIM 144010.
Cardiovascular phenotype. Identifiers: MedGen CN230736.

Allele frequency attached by ClinVar (database versions not stated): gnomAD exomes below 0.00001.
gnomAD v4.1: 1 of 1,614,128 alleles (0.000062%); highest among the groups gnomAD compares: Non-Finnish European, 0.000085%; no homozygotes.

Submissions (2):

Labcorp Genetics (formerly Invitae), Labcorp
Classification: Likely benign for Familial hypobetalipoproteinemia 1; Hypercholesterolemia, autosomal dominant, type B. Last evaluated: 2023-11-21. Review status: criteria provided, single submitter. Criteria: Invitae Variant Classification Sherloc (09022015). Collection method: clinical testing. Allele origin: germline.

Ambry Genetics
Classification: Uncertain significance for Cardiovascular phenotype. Last evaluated: 2023-04-14. Review status: criteria provided, single submitter. Criteria: Ambry Variant Classification Scheme 2023. Collection method: clinical testing. Allele origin: germline.
Comment: The p.P582S variant (also known as c.1744C>T), located in coding exon 13 of the APOB gene, results from a C to T substitution at nucleotide position 1744. The proline at codon 582 is replaced by serine, an amino acid with similar properties. This amino acid position is conserved. In addition, this alteration is predicted to be tolerated by in silico analysis. Since supporting evidence is limited at this time, the clinical significance of this alteration remains unclear.

NM_000384.3(APOB):c.1744C>T (p.Pro582Ser)

Gene: APOB (apolipoprotein B; minus strand). Cytogenetic location: 2p24.1.
Variant type: single nucleotide variant.
Coding change: c.1744C>T on transcript NM_000384.3 (MANE Select); coding-DNA position 1744, C replaced by T.
Protein change: p.Pro582Ser; replaces proline 582 with serine.
Molecular consequence: missense variant.
Genome position (GRCh38, 1-based): chr2:21,028,412, G>A on the plus strand (C>T on the coding strand, the complement: APOB is on the minus strand). VCF-style: chr2-21028412-G-A. GRCh37 (hg19) VCF-style: chr2-21251284-G-A.
Other names: short protein forms P582S.
Identifiers: ClinVar variation 2565848 (VCV002565848.5), dbSNP rs1319548654, ClinGen allele CA346014536.